The following is an entry in ClinVar:

NM_000059.4(BRCA2):c.4735dup (p.Ala1579fs)

Gene: BRCA2 (BRCA2 DNA repair associated; plus strand). Cytogenetic location: 13q13.1.
Variant type: Duplication.
Coding change: c.4735dup on transcript NM_000059.4 (MANE Select); coding-DNA position 4735, one base duplicated (G; older notation c.4735dupG).
Protein change: p.Ala1579fs; shifts the reading frame from alanine 1579.
Molecular consequence: frameshift variant.
Genome position (GRCh38, 1-based): chr13:32,339,090, G duplicated. VCF-style (leftmost placement, unchanged base first): chr13-32339089-A-AG. GRCh37 (hg19) VCF-style: chr13-32913226-A-AG.
Other names: c.4735dup, p.Ala1579Glyfs (NM_001406719.1, NM_001406720.1); short protein forms A1579fs.
Identifiers: ClinVar variation 2087985 (VCV002087985.4), dbSNP rs2548529239, ClinGen allele CA2580087306.

ClinVar aggregate classification (germline): Pathogenic (1 of 4 stars; one submission).

Conditions:
Hereditary breast ovarian cancer syndrome. Also called: Hereditary breast and ovarian cancer syndrome; Breast and ovarian cancer; BRCA1- and BRCA2-Associated Hereditary Breast and Ovarian Cancer; Hereditary breast and ovarian cancer syndrome (HBOC); Hereditary breast and ovarian cancer; Hereditary breast and/or ovarian cancer syndrome. Identifiers: Orphanet 145, MedGen C0677776, MeSH D061325, MONDO:0003582. Disease mechanism: loss of function.

Submission:

Labcorp Genetics (formerly Invitae), Labcorp
Classification: Pathogenic for Hereditary breast ovarian cancer syndrome. Last evaluated: 2022-01-19. Review status: criteria provided, single submitter. Criteria: Invitae Variant Classification Sherloc (09022015). Collection method: clinical testing. Allele origin: germline.
Comment: For these reasons, this variant has been classified as Pathogenic. This variant has not been reported in the literature in individuals affected with BRCA2-related conditions. This variant is not present in population databases (gnomAD no frequency). This sequence change creates a premature translational stop signal (p.Ala1579Glyfs*3) in the BRCA2 gene. It is expected to result in an absent or disrupted protein product. Loss-of-function variants in BRCA2 are known to be pathogenic (PMID: 20104584).

Literature cited by the submitters: PubMed 20104584.